The following is an entry in ClinVar:

NM_001378789.1(CERS3):c.1143T>C (p.His381=)

Genes: CERS3 (ceramide synthase 3; minus strand), CERS3-AS1 (CERS3 antisense RNA 1; plus strand). Cytogenetic location: 15q26.3.
Variant type: single nucleotide variant.
Coding change: c.1143T>C on transcript NM_001378789.1 (MANE Select); coding-DNA position 1143, T replaced by C.
Protein change: p.His381=; no amino-acid change (histidine 381 retained).
Molecular consequence: synonymous variant.
Genome position (GRCh38, 1-based): chr15:100,402,722, A>G on the plus strand (T>C on the coding strand, the complement: CERS3 is on the minus strand). VCF-style: chr15-100402722-A-G. GRCh37 (hg19) VCF-style: chr15-100942927-A-G.
Other names: c.1176T>C, p.His392= (NM_001290341.2); c.1143T>C, p.His381= (NM_001290342.2, NM_001290343.2, NM_178842.5).
Identifiers: ClinVar variation 2645745 (VCV002645745.25), dbSNP rs201602377, ClinGen allele CA7758805.
Genomic context (GRCh38, chr15:100,402,722, plus strand): 5'-GCCAACAGTACTTGCAGCATGCTGTGCCATGGGAGTCCTGTAGGCTTCCAGCTAATGGCC[A>G]TGCTGGCCATTGGGAATGAGGTGCCTCTCAGCCCTGAGGCCGTTCTTTAAACAATCCATC-3'
Protein context (NP_001365718.1, residues 371-383): AERHLIPNGQ[His381=]GH

ClinVar aggregate classification (germline): Benign/Likely benign. Review status: criteria provided, multiple submitters, no conflicts (2 of 4 stars). 2 submissions from 2 submitters: Benign (1); Likely benign (1). Last evaluated 2026-01-28.

Allele frequency attached by ClinVar (database versions not stated): TOPMed 0.00022; gnomAD 0.00023; gnomAD exomes 0.00035; ExAC 0.00047; 1000 Genomes Project 0.00060; 1000 Genomes Project 30x 0.00062.
gnomAD v4.1: 552 of 1,614,088 alleles (0.034%); highest among the groups gnomAD compares: South Asian, 0.28%; no homozygotes.

Submissions (2):

Labcorp Genetics (formerly Invitae), Labcorp
Classification: Benign. Last evaluated: 2026-01-28. Review status: criteria provided, single submitter. Criteria: Invitae Variant Classification Sherloc (09022015). Collection method: clinical testing. Allele origin: germline.

CeGaT Center for Human Genetics Tuebingen
Classification: Likely benign. Last evaluated: 2022-09-01. Review status: criteria provided, single submitter. Criteria: CeGaT Center For Human Genetics Tuebingen Variant Classification Criteria Version 2. Collection method: clinical testing. Allele origin: germline. Affected: yes. Observed: 1 variant allele.
Comment: CERS3: BP4, BP7